The following is an entry in ClinVar:

NM_001017995.3(SH3PXD2B):c.105C>T (p.Ser35=)

Gene: SH3PXD2B (SH3 and PX domains 2B; minus strand). Cytogenetic location: 5q35.1.
Variant type: single nucleotide variant.
Coding change: c.105C>T on transcript NM_001017995.3 (MANE Select); coding-DNA position 105, C replaced by T.
Protein change: p.Ser35=; no amino-acid change (serine 35 retained).
Molecular consequence: synonymous variant.
Genome position (GRCh38, 1-based): chr5:172,422,467, G>A on the plus strand (C>T on the coding strand, the complement: SH3PXD2B is on the minus strand). VCF-style: chr5-172422467-G-A. GRCh37 (hg19) VCF-style: chr5-171849471-G-A.
Other names: c.105C>T, p.Ser35= (NM_001308175.2).
Identifiers: ClinVar variation 257056 (VCV000257056.19), dbSNP rs17074773, ClinGen allele CA3561672.

ClinVar aggregate classification (germline): Benign. Review status: criteria provided, multiple submitters, no conflicts (2 of 4 stars). 5 submissions from 5 submitters: Benign (5). Last evaluated 2026-02-04.

Conditions:
Frank-Ter Haar syndrome. Also called: Borrone di Rocco Crovato syndrome; TER HAAR SYNDROME; MELNICK-NEEDLES SYNDROME, AUTOSOMAL RECESSIVE; BORRONE DERMATOCARDIOSKELETAL SYNDROME. Identifiers: Orphanet 1266, Orphanet 137834, MedGen C1855305, MONDO:0009579, OMIM 249420.

Allele frequency attached by ClinVar (database versions not stated): 1000 Genomes Project 30x 0.36587; ESP Exome Variant Server 0.26111; gnomAD 0.30178 and 0.29312; gnomAD exomes 0.31103 and 0.35081; 1000 Genomes Project 0.37460; TOPMed 0.30699; ExAC 0.36127.
gnomAD v4.1: 500,209 of 1,610,500 alleles (31%); highest among the groups gnomAD compares: East Asian, 63%; 82,434 homozygotes.

Submissions (5):

Labcorp Genetics (formerly Invitae), Labcorp
Classification: Benign. Last evaluated: 2026-02-04. Review status: criteria provided, single submitter. Criteria: Invitae Variant Classification Sherloc (09022015). Collection method: clinical testing. Allele origin: germline.

Genome-Nilou Lab
Classification: Benign for Frank-Ter Haar syndrome. Last evaluated: 2021-07-15. Review status: criteria provided, single submitter. Criteria: ACMG Guidelines, 2015. Collection method: clinical testing. Allele origin: germline. Affected: no.

GeneDx
Classification: Benign. Last evaluated: 2018-07-31. Review status: criteria provided, single submitter. Criteria: GeneDx Variant Classification Process June 2021. Collection method: clinical testing. Allele origin: germline. Affected: yes.

Illumina Laboratory Services, Illumina
Classification: Benign for Frank-Ter Haar syndrome. Last evaluated: 2018-01-13. Review status: criteria provided, single submitter. Criteria: ICSL Variant Classification Criteria 13 December 2019. Collection method: clinical testing. Allele origin: germline.
Comment: This variant was observed in the ICSL laboratory as part of a predisposition screen in an ostensibly healthy population. It had not been previously curated by ICSL or reported in the Human Gene Mutation Database (HGMD: prior to June 1st, 2018), and was therefore a candidate for classification through an automated scoring system. Utilizing variant allele frequency, disease prevalence and penetrance estimates, and inheritance mode, an automated score was calculated to assess if this variant is too frequent to cause the disease. Based on the score and internal cut-off values, a variant classified as benign is not then subjected to further curation. The score for this variant resulted in a classification of benign for this disease.

PreventionGenetics, part of Exact Sciences
Classification: Benign. Review status: criteria provided, single submitter. Criteria: ACMG Guidelines, 2015. Collection method: clinical testing. Allele origin: germline.